The following is an entry in ClinVar:

ClinVar aggregate classification (germline): Uncertain significance (1 of 4 stars; one submission).

Conditions:
PCDH15-related disorder. Also called: PCDH15-related condition; PCDH15-related disorders.

Submission:

PreventionGenetics, part of Exact Sciences
Classification: Uncertain significance for PCDH15-related condition. Last evaluated: 2025-06-19. Review status: criteria provided, single submitter. Criteria: ACMG Guidelines, 2015. Collection method: clinical testing. Allele origin: germline.
Comment: The PCDH15 c.5213C>T variant is predicted to result in the amino acid substitution p.Pro1738Leu. This variant was reported in an individual with Microtia, however information about presence or absence of the second PCDH15 variant was not provided (Table 1, Wang et al. 2017. PubMed ID: 28968992). At this time, the clinical significance of this variant is uncertain due to the absence of conclusive functional and genetic evidence.

NM_033056.4(PCDH15):c.5213C>T (p.Pro1738Leu)

Gene: PCDH15 (protocadherin related 15; minus strand). Cytogenetic location: 10q21.1.
Variant type: single nucleotide variant.
Coding change: c.5213C>T on transcript NM_033056.4 (MANE Plus Clinical); coding-DNA position 5213, C replaced by T.
Protein change: p.Pro1738Leu; replaces proline 1738 with leucine.
Molecular consequence: missense variant. On other transcripts: intron variant (8).
Genome position (GRCh38, 1-based): chr10:53,822,513, G>A on the plus strand (C>T on the coding strand, the complement: PCDH15 is on the minus strand). VCF-style: chr10-53822513-G-A. GRCh37 (hg19) VCF-style: chr10-55582273-G-A.
Other names: c.5234C>T, p.Pro1745Leu (NM_001142763.2); c.5219C>T, p.Pro1740Leu (NM_001142764.2); c.5006C>T, p.Pro1669Leu (NM_001142765.2); c.5204C>T, p.Pro1735Leu (NM_001142766.2); c.5093C>T, p.Pro1698Leu (NM_001142767.2); c.5153C>T, p.Pro1718Leu (NM_001142768.2); c.5144C>T, p.Pro1715Leu (NM_001142773.2); c.5147C>T, p.Pro1716Leu (NM_001354404.2); and 7 more; short protein forms P1669L, P1716L, P1738L, P1698L, P1715L, P1718L, P1735L, P1740L.
Identifiers: ClinVar variation 4996787 (VCV004996787.1).